The following is an entry in ClinVar:

ClinVar aggregate classification (germline): Benign/Likely benign. Review status: criteria provided, multiple submitters, no conflicts (2 of 4 stars). 4 submissions from 4 submitters: Benign (1); Likely benign (3). Last evaluated 2022-08-19.

Conditions:
Glycogen storage disease, type VII (GSD7). Also called: MUSCLE PHOSPHOFRUCTOKINASE DEFICIENCY; PFKM DEFICIENCY; TARUI DISEASE; GSD VII. Identifiers: Orphanet 371, MedGen C0017926, MONDO:0009295, OMIM 232800.

Allele frequency attached by ClinVar (database versions not stated): gnomAD exomes 0.00630 and 0.01090; ExAC 0.01088; 1000 Genomes Project 0.01558; 1000 Genomes Project 30x 0.01593; gnomAD 0.01954 and 0.02028; TOPMed 0.01954; ESP Exome Variant Server 0.02022.
gnomAD v4.1: 12,424 of 1,612,842 alleles (0.77%); highest among the groups gnomAD compares: African/African-American, 4.8%; 176 homozygotes.

Submissions (4):

ARUP Laboratories, Molecular Genetics and Genomics, ARUP Laboratories
Classification: Benign for Glycogen storage disease, type VII. Last evaluated: 2022-08-19. Review status: criteria provided, single submitter. Criteria: ARUP Molecular Germline Variant Investigation Process 2021. Collection method: clinical testing. Allele origin: germline.

GeneDx
Classification: Likely benign. Last evaluated: 2018-06-16. Review status: criteria provided, single submitter. Criteria: GeneDx Variant Classification (06012015). Collection method: clinical testing. Allele origin: germline. Affected: yes.
Comment: This variant is considered likely benign or benign based on one or more of the following criteria: it is a conservative change, it occurs at a poorly conserved position in the protein, it is predicted to be benign by multiple in silico algorithms, and/or has population frequency not consistent with disease.

Breakthrough Genomics
Classification: Likely benign. Review status: criteria provided, single submitter. Criteria: ACMG Guidelines, 2015. Collection method: not provided. Allele origin: germline. Inheritance: Autosomal recessive inheritance. Affected: yes.

PreventionGenetics, part of Exact Sciences
Classification: Likely benign. Review status: criteria provided, single submitter. Criteria: ACMG Guidelines, 2015. Collection method: clinical testing. Allele origin: germline.

NM_000289.6(PFKM):c.1500+32C>T

Gene: PFKM (phosphofructokinase, muscle; plus strand). Cytogenetic location: 12q13.11.
Variant type: single nucleotide variant.
Coding change: c.1500+32C>T on transcript NM_000289.6 (MANE Select); 32 bases into the intron after coding-DNA position 1500, C replaced by T.
Molecular consequence: intron variant.
Genome position (GRCh38, 1-based): chr12:48,141,859, C>T. VCF-style: chr12-48141859-C-T. GRCh37 (hg19) VCF-style: chr12-48535642-C-T.
Other names: c.1524+32C>T (NM_001354741.2); c.1500+32C>T (NM_001354742.2, NM_001354743.2, NM_001354744.2 and 2 more transcripts); c.1350+32C>T (NM_001354747.2, NM_001354748.2); c.1713+32C>T (NM_001166686.2, NM_001354737.1, NM_001354739.1 and 1 more transcripts); c.1809+32C>T (NM_001354736.1, NM_001354735.1); c.1644+32C>T (NM_001354740.1); c.1413+32C>T (NM_001354745.2); c.1374+32C>T (NM_001354746.2); and 1 more.
Identifiers: ClinVar variation 255751 (VCV000255751.17), dbSNP rs41291967, ClinGen allele CA6537373.